The following is an entry in ClinVar:

ClinVar aggregate classification (germline): Likely benign. Review status: criteria provided, multiple submitters, no conflicts (2 of 4 stars). 5 submissions from 5 submitters: Likely benign (5). Last evaluated 2025-12-30.

Conditions:
Familial adenomatous polyposis 2. Also called: COLORECTAL ADENOMATOUS POLYPOSIS, AUTOSOMAL RECESSIVE; ADENOMAS, MULTIPLE COLORECTAL, AUTOSOMAL RECESSIVE; MYH-associated polyposis; MUTYH Polyposis; Adenomas, multiple colorectal; MUTYH-associated polyposis. Identifiers: Orphanet 220460, Orphanet 247798, MedGen C3272841, MONDO:0012041, OMIM 608456.
Hereditary cancer-predisposing syndrome. Also called: Tumor predisposition; Neoplastic Syndromes, Hereditary; Hereditary Cancer Syndrome; Hereditary neoplastic syndrome. Identifiers: Orphanet 140162, MedGen C0027672, MeSH D009386, MONDO:0015356.

Submissions (5):

Labcorp Genetics (formerly Invitae), Labcorp
Classification: Likely benign for Familial adenomatous polyposis 2. Last evaluated: 2025-12-30. Review status: criteria provided, single submitter. Criteria: Invitae Variant Classification Sherloc (09022015). Collection method: clinical testing. Allele origin: germline.

All of Us Research Program, National Institutes of Health
Classification: Likely benign for Familial adenomatous polyposis 2. Last evaluated: 2023-09-04. Review status: criteria provided, single submitter. Criteria: ACMG Guidelines, 2015. Collection method: clinical testing. Allele origin: germline. Inheritance: Autosomal recessive inheritance. Observed: 1 variant allele, 1 heterozygote.
Comment: This study involves interpretation of variants in research participants for the purpose of population health screening. Participant phenotype was not available at the time of variant classification. Additional details can be found in publication PMID: 35346344, PMCID: PMC8962531

Color Diagnostics, LLC DBA Color Health
Classification: Likely benign for Hereditary cancer-predisposing syndrome. Last evaluated: 2019-02-13. Review status: criteria provided, single submitter. Criteria: ACMG Guidelines, 2015. Collection method: clinical testing. Allele origin: germline.

Ambry Genetics
Classification: Likely benign for Hereditary cancer-predisposing syndrome. Last evaluated: 2018-11-26. Review status: criteria provided, single submitter. Criteria: Ambry Variant Classification Scheme 2023. Collection method: clinical testing. Allele origin: germline.

GeneDx
Classification: Likely benign. Last evaluated: 2018-05-09. Review status: criteria provided, single submitter. Criteria: GeneDx Variant Classification (06012015). Collection method: clinical testing. Allele origin: germline. Affected: yes.
Comment: This variant is considered likely benign or benign based on one or more of the following criteria: it is a conservative change, it occurs at a poorly conserved position in the protein, it is predicted to be benign by multiple in silico algorithms, and/or has population frequency not consistent with disease.

NM_001048174.2(MUTYH):c.1116A>G (p.Gly372=)

Gene: MUTYH (mutY DNA glycosylase; minus strand). Cytogenetic location: 1p34.1.
Variant type: single nucleotide variant.
Coding change: c.1116A>G on transcript NM_001048174.2 (MANE Select); coding-DNA position 1116, A replaced by G.
Protein change: p.Gly372=; no amino-acid change (glycine 372 retained).
Molecular consequence: synonymous variant. On other transcripts: non-coding transcript variant (2).
Genome position (GRCh38, 1-based): chr1:45,331,543, T>C on the plus strand (A>G on the coding strand, the complement: MUTYH is on the minus strand). VCF-style: chr1-45331543-T-C. GRCh37 (hg19) VCF-style: chr1-45797215-T-C.
Other names: c.1116A>G, p.Gly372= (NM_001048171.2, NM_001048173.2, NM_001293195.2); c.1119A>G, p.Gly373= (NM_001048172.2); c.1200A>G, p.Gly400= (NM_001128425.2); c.1161A>G, p.Gly387= (NM_001293190.2); c.1149A>G, p.Gly383= (NM_001293191.2); c.840A>G, p.Gly280= (NM_001293192.2, NM_001293196.2); c.771A>G, p.Gly257= (NM_001350650.2, NM_001350651.2); c.1191A>G, p.Gly397= (NM_012222.3).
Identifiers: ClinVar variation 668335 (VCV000668335.17), dbSNP rs1570377075, ClinGen allele CA417879905.
Genomic context (GRCh38, chr1:45,331,543, plus strand): 5'-CAGGGCCTTGCGCTGAAGCTGCTCTGAGGGCTCCCAGGTCACGGACGGGAACTCCCACAG[T>C]CCTGCCAGCAGACCTGAGAGGGAGGGCAGCCAGGCAGGGGTCAGGCCTCAGCTGCCGATT-3'
Protein context (NP_001041639.1, residues 362-382): VQRPNSGLLA[Gly372=]LWEFPSVTWE